The following is an entry in ClinVar:

NM_001754.5(RUNX1):c.332C>T (p.Thr111Ile)

Gene: RUNX1 (RUNX family transcription factor 1; minus strand). Cytogenetic location: 21q22.12.
Variant type: single nucleotide variant.
Coding change: c.332C>T on transcript NM_001754.5 (MANE Select); coding-DNA position 332, C replaced by T.
Protein change: p.Thr111Ile; replaces threonine 111 with isoleucine.
Molecular consequence: missense variant.
Genome position (GRCh38, 1-based): chr21:34,886,862, G>A on the plus strand (C>T on the coding strand, the complement: RUNX1 is on the minus strand). VCF-style: chr21-34886862-G-A. GRCh37 (hg19) VCF-style: chr21-36259159-G-A.
Other names: NM_001754.5(RUNX1):c.332C>T; p.Thr111Ile; c.251C>T, p.Thr84Ile (NM_001001890.3, NM_001122607.2); short protein forms T111I, T84I.
Identifiers: ClinVar variation 971877 (VCV000971877.12), dbSNP rs759974526, ClinGen allele CA10014550.
Genomic context (GRCh38, chr21:34,886,862, plus strand): 5'-GGCCTCCGCCTGTCCTCCCACCACCCTCTCCGGGCCAGTACCTTGAAAGCGATGGGCAGG[G>A]TCTTGTTGCAGCGCCAGTGCGTAGGCAGCACGGAGCAGAGGAAGTTGGGGCTGTCGGTGC-3'
Protein context (NP_001745.2, residues 101-121): VLPTHWRCNK[Thr111Ile]LPIAFKVVAL

ClinVar aggregate classification (germline): Uncertain significance. Review status: reviewed by expert panel (3 of 4 stars). 3 submissions from 3 submitters: Uncertain significance (1). 2 of the submissions do not count toward it. Last evaluated 2024-07-25.

Conditions:
Hereditary thrombocytopenia and hematological cancer predisposition syndrome associated with RUNX1. Also called: Familial Platelet Disorder with Propensity to Acute Myelogenous Leukemia; Familial thrombocytopenia with propensity to acute myelogenous leukemia; RUNX1 Familial Platelet Disorder with Associated Myeloid Malignancies; PLATELET DISORDER, ASPIRIN-LIKE. Identifiers: Orphanet 71290, MedGen C1832388, MeSH C563324, MONDO:0100083, OMIM 601399.
Hereditary thrombocytopenia and hematologic cancer predisposition syndrome. Identifiers: Orphanet 71290, MedGen CN281654, MONDO:0011071.
Inborn genetic diseases. Identifiers: MedGen C0950123, MeSH D030342.

Allele frequency attached by ClinVar (database versions not stated): gnomAD exomes below 0.00001; ExAC 0.00001.
gnomAD v4.1: 1 of 1,613,564 alleles (0.000062%); highest among the groups gnomAD compares: Non-Finnish European, 0.000085%; no homozygotes.

Submissions (3):

ClinGen Myeloid Malignancy Variant Curation Expert Panel
Classification: Uncertain significance for Hereditary thrombocytopenia and hematologic cancer predisposition syndrome. Last evaluated: 2024-07-25. Review status: reviewed by expert panel. Criteria: ClinGen MyeloMalig ACMG Specifications v2. Collection method: curation. Allele origin: germline. Inheritance: Autosomal dominant inheritance.
Comment: NM_001754.5(RUNX1):c.332C>T (p.Thr111Ile) is a missense variant which has a REVEL score >0.88 (0.93) (PP3). Furthermore, this variant affects amino acid 111, which is one of the residues within the RHD (AA 89-204) (PM1_supporting). To our knowledge, there is no previous record of this variant, and no other pathogenic or likely pathogenic missense variants affecting the same amino acid residue or resulting in the same residue have been reported. The RUNX1 p.Thr111Ala variant has been previously classified as a VUS (PM1_supporting, PM2, PP3) by the MM-VCEP. Additionally, the RUNX1 p.Thr111Pro and p.Thr111Asn missense changes have been identified in a cohort of 13,284 patients with myelodysplastic syndrome and classified as oncogenic somatic variants (PMID: 36436542). In summary, the clinical significance of this variant is uncertain, and it meets ACMG/AMP criteria as specified by the Myeloid Malignancy Variant Curation Expert Panel for RUNX1: PM1_supporting, PP3.

Ambry Genetics
Classification: Uncertain significance for Inborn genetic diseases. Last evaluated: 2024-12-10. Review status: criteria provided, single submitter. Criteria: Ambry Variant Classification Scheme 2023. Collection method: clinical testing. Allele origin: germline. Not counted in ClinVar's aggregate classification.
Comment: The p.T111I variant (also known as c.332C>T), located in coding exon 3 of the RUNX1 gene, results from a C to T substitution at nucleotide position 332. The threonine at codon 111 is replaced by isoleucine, an amino acid with similar properties. This amino acid position is highly conserved in available vertebrate species. In addition, this alteration is predicted to be deleterious by in silico analysis. Based on the available evidence, the clinical significance of this variant remains unclear.

Labcorp Genetics (formerly Invitae), Labcorp
Classification: Uncertain significance for Hereditary thrombocytopenia and hematological cancer predisposition syndrome associated with RUNX1. Last evaluated: 2022-01-27. Review status: criteria provided, single submitter. Criteria: Invitae Variant Classification Sherloc (09022015). Collection method: clinical testing. Allele origin: germline. Not counted in ClinVar's aggregate classification.
Comment: In summary, the available evidence is currently insufficient to determine the role of this variant in disease. Therefore, it has been classified as a Variant of Uncertain Significance. Algorithms developed to predict the effect of missense changes on protein structure and function are either unavailable or do not agree on the potential impact of this missense change (SIFT: "Deleterious"; PolyPhen-2: "Probably Damaging"; Align-GVGD: "Class C0"). ClinVar contains an entry for this variant (Variation ID: 971877). This variant has not been reported in the literature in individuals affected with RUNX1-related conditions. This variant is present in population databases (rs759974526, gnomAD 0.0009%). This sequence change replaces threonine, which is neutral and polar, with isoleucine, which is neutral and non-polar, at codon 111 of the RUNX1 protein (p.Thr111Ile).